The following is an entry in ClinVar:

NM_001330078.2(NRXN1):c.1640A>C (p.Asp547Ala)

Gene: NRXN1 (neurexin 1; minus strand). Cytogenetic location: 2p16.3.
Variant type: single nucleotide variant.
Coding change: c.1640A>C on transcript NM_001330078.2 (MANE Select); coding-DNA position 1640, A replaced by C.
Protein change: p.Asp547Ala; replaces aspartic acid 547 with alanine.
Molecular consequence: missense variant.
Genome position (GRCh38, 1-based): chr2:50,552,706, T>G on the plus strand (A>C on the coding strand, the complement: NRXN1 is on the minus strand). VCF-style: chr2-50552706-T-G. GRCh37 (hg19) VCF-style: chr2-50779844-T-G.
Other names: c.1760A>C, p.Asp587Ala (NM_001135659.3); c.1616A>C, p.Asp539Ala (NM_001330077.2, NM_001330082.2, NM_001330095.2); c.1601A>C, p.Asp534Ala (NM_001330083.2, NM_001330084.2); c.1640A>C, p.Asp547Ala (NM_001330085.2, NM_001330086.2, NM_004801.6); c.1556A>C, p.Asp519Ala (NM_001330087.2, NM_001330096.2); c.1586A>C, p.Asp529Ala (NM_001330088.2); c.1637A>C, p.Asp546Ala (NM_001330093.2); c.1628A>C, p.Asp543Ala (NM_001330094.2); short protein forms D519A, D539A, D529A, D547A, D543A, D546A, D534A, D587A.
Identifiers: ClinVar variation 2340684 (VCV002340684.5), dbSNP rs2465826563, ClinGen allele CA346773195.

ClinVar aggregate classification (germline): Uncertain significance. Review status: criteria provided, multiple submitters, no conflicts (2 of 4 stars). 2 submissions from 2 submitters: Uncertain significance (2). Last evaluated 2025-10-17.

Conditions:
Inborn genetic diseases. Identifiers: MedGen C0950123, MeSH D030342.
Pitt-Hopkins-like syndrome 2 (PTHSL2). Identifiers: Orphanet 221150, Orphanet 600663, MedGen C3280479, MONDO:0013690, OMIM 614325.

Submissions (2):

Labcorp Genetics (formerly Invitae), Labcorp
Classification: Uncertain significance for Pitt-Hopkins-like syndrome 2. Last evaluated: 2025-10-17. Review status: criteria provided, single submitter. Criteria: Invitae Variant Classification Sherloc (09022015). Collection method: clinical testing. Allele origin: germline.
Comment: This sequence change replaces aspartic acid, which is acidic and polar, with alanine, which is neutral and non-polar, at codon 587 of the NRXN1 protein (p.Asp587Ala). This variant is not present in population databases (gnomAD no frequency). This variant has not been reported in the literature in individuals affected with NRXN1-related conditions. ClinVar contains an entry for this variant (Variation ID: 2340684). An algorithm developed to predict the effect of missense changes on protein structure and function (PolyPhen-2) suggests that this variant is likely to be disruptive. In summary, the available evidence is currently insufficient to determine the role of this variant in disease. Therefore, it has been classified as a Variant of Uncertain Significance.

Ambry Genetics
Classification: Uncertain significance for Inborn genetic diseases. Last evaluated: 2022-12-28. Review status: criteria provided, single submitter. Criteria: Ambry Variant Classification Scheme 2023. Collection method: clinical testing. Allele origin: germline.